The following is an entry in ClinVar:

ClinVar aggregate classification (germline): Uncertain significance. Review status: criteria provided, multiple submitters, no conflicts (2 of 4 stars). 5 submissions from 5 submitters: Uncertain significance (5). Last evaluated 2026-03-27.

Conditions:
Cardiovascular phenotype. Identifiers: MedGen CN230736.
Aortic aneurysm, familial thoracic 6 (AAT6). Also called: FAMILIAL THORACIC AORTIC ANEURYSM WITH LIVEDO RETICULARIS AND IRIS FLOCCULI. Identifiers: MedGen C2673186, MONDO:0012730, OMIM 611788.
Familial thoracic aortic aneurysm and aortic dissection (TAAD). Also called: Thoracic aortic aneurysms and dissections. Identifiers: Orphanet 91387, MedGen C4707243, MONDO:0019625.

Allele frequency attached by ClinVar (database versions not stated): TOPMed below 0.00001.
gnomAD v4.1: 15 of 1,613,838 alleles (0.00093%); highest among the groups gnomAD compares: Non-Finnish European, 0.0013%; no homozygotes.

Submissions (5):

Molecular Diagnostic Laboratory for Inherited Cardiovascular Disease, Montreal Heart Institute
Classification: Uncertain significance for Cardiovascular phenotype. Last evaluated: 2026-03-27. Review status: criteria provided, single submitter. Criteria: ACMG Guidelines, 2015. Collection method: clinical testing. Allele origin: germline. Affected: yes.
Comment: PVS1_strong, BS1

Color Diagnostics, LLC DBA Color Health
Classification: Uncertain significance for Familial thoracic aortic aneurysm and aortic dissection. Last evaluated: 2025-07-08. Review status: criteria provided, single submitter. Criteria: ACMG Guidelines, 2015. Collection method: clinical testing. Allele origin: germline.
Comment: This variant causes a G to C nucleotide substitution at the +5 position of intron 6 of the ACTA2 gene. Splice site prediction tools predict that this variant may have a significant impact on RNA splicing. To our knowledge, functional studies have not been reported for this variant. This variant has not been reported in individuals affected with ACTA2-related disorders in the literature. This variant has not been identified in the general population by the Genome Aggregation Database (gnomAD). The available evidence is insufficient to determine the role of this variant in disease conclusively. Therefore, this variant is classified as a Variant of Uncertain Significance.

Labcorp Genetics (formerly Invitae), Labcorp
Classification: Uncertain significance for Aortic aneurysm, familial thoracic 6. Last evaluated: 2023-10-23. Review status: criteria provided, single submitter. Criteria: Invitae Variant Classification Sherloc (09022015). Collection method: clinical testing. Allele origin: germline.
Comment: This sequence change falls in intron 6 of the ACTA2 gene. It does not directly change the encoded amino acid sequence of the ACTA2 protein. It affects a nucleotide within the consensus splice site. This variant is not present in population databases (gnomAD no frequency). This variant has not been reported in the literature in individuals affected with ACTA2-related conditions. ClinVar contains an entry for this variant (Variation ID: 923367). Variants that disrupt the consensus splice site are a relatively common cause of aberrant splicing (PMID: 17576681, 9536098). Algorithms developed to predict the effect of sequence changes on RNA splicing suggest that this variant may disrupt the consensus splice site. In summary, the available evidence is currently insufficient to determine the role of this variant in disease. Therefore, it has been classified as a Variant of Uncertain Significance.

All of Us Research Program, National Institutes of Health
Classification: Uncertain significance for Familial thoracic aortic aneurysm and aortic dissection. Last evaluated: 2023-06-26. Review status: criteria provided, single submitter. Criteria: ACMG Guidelines, 2015. Collection method: clinical testing. Allele origin: germline. Inheritance: Autosomal dominant inheritance. Observed: 3 variant alleles, 3 heterozygotes.
Comment: This variant causes a G to C nucleotide substitution at the +5 position of intron 6 of the ACTA2 gene. Splice site prediction tools predict that this variant may have a significant impact on RNA splicing. Although this prediction has not been confirmed in published RNA studies, this variant is expected to result in an absent or disrupted protein product. To our knowledge, functional studies have not been reported for this variant. This variant has not been reported in individuals affected with ACTA2-related disorders in the literature. This variant has not been identified in the general population by the Genome Aggregation Database (gnomAD). The available evidence is insufficient to determine the role of this variant in disease conclusively. Therefore, this variant is classified as a Variant of Uncertain Significance.

This study involves interpretation of variants in research participants for the purpose of population health screening. Participant phenotype was not available at the time of variant classification. Additional details can be found in publication PMID: 35346344, PMCID: PMC8962531

GeneDx
Classification: Uncertain significance. Last evaluated: 2022-08-10. Review status: criteria provided, single submitter. Criteria: GeneDx Variant Classification Process June 2021. Collection method: clinical testing. Allele origin: germline. Affected: yes.
Comment: Has not been previously published as pathogenic or benign to our knowledge; Not observed at significant frequency in large population cohorts (gnomAD); In silico analysis supports that this variant does not alter splicing

Literature cited by the submitters: PubMed 17576681 (cited by Labcorp Genetics (formerly Invitae), Labcorp); PubMed 9536098 (cited by Labcorp Genetics (formerly Invitae), Labcorp).

NM_001613.4(ACTA2):c.616+5G>C

Gene: ACTA2 (actin alpha 2, smooth muscle; minus strand). Cytogenetic location: 10q23.31.
Variant type: single nucleotide variant.
Coding change: c.616+5G>C on transcript NM_001613.4 (MANE Select); 5 bases into the intron after coding-DNA position 616, G replaced by C.
Molecular consequence: intron variant.
Genome position (GRCh38, 1-based): chr10:88,941,224, C>G on the plus strand (G>C on the coding strand, the complement: ACTA2 is on the minus strand). VCF-style: chr10-88941224-C-G. GRCh37 (hg19) VCF-style: chr10-90700981-C-G.
Other names: c.616+5G>C (NM_001613.2, NM_001320855.2, NM_001406462.1 and 4 more transcripts); c.487+5G>C (NM_001406467.1, NM_001406468.1, NM_001406469.1); c.505+5G>C (NM_001406466.1).
Identifiers: ClinVar variation 923367 (VCV000923367.14), dbSNP rs1845842113, ClinGen allele CA1139661617.